The following is an entry in ClinVar:

ClinVar aggregate classification (germline): Pathogenic (1 of 4 stars; one submission).

Submission:

Labcorp Genetics (formerly Invitae), Labcorp
Classification: Pathogenic. Last evaluated: 2022-05-11. Review status: criteria provided, single submitter. Criteria: Invitae Variant Classification Sherloc (09022015). Collection method: clinical testing. Allele origin: germline.
Comment: For these reasons, this variant has been classified as Pathogenic. Algorithms developed to predict the effect of sequence changes on RNA splicing suggest that this variant may create or strengthen a splice site. This variant has not been reported in the literature in individuals affected with POLE-related conditions. This variant is not present in population databases (gnomAD no frequency). This sequence change creates a premature translational stop signal (p.Arg247Leufs*4) in the POLE gene. It is expected to result in an absent or disrupted protein product. Loss-of-function variants in POLE are known to be pathogenic (PMID: 23230001, 25948378, 30503519).

Literature cited by the submitters: PubMed 23230001; PubMed 25948378; PubMed 30503519.

NM_006231.4(POLE):c.738_753del (p.Arg247fs)

Gene: POLE (DNA polymerase epsilon, catalytic subunit; minus strand). Cytogenetic location: 12q24.33.
Variant type: Deletion.
Coding change: c.738_753del on transcript NM_006231.4 (MANE Select); coding-DNA positions 738 to 753, 16 bases deleted (CAGATACCGAGGAAAT).
Protein change: p.Arg247fs; shifts the reading frame from arginine 247.
Molecular consequence: frameshift variant.
Genome position (GRCh38, 1-based): chr12:132,677,411-132,677,426, ATTTCCTCGGTATCTG deleted on the plus strand (CAGATACCGAGGAAAT on the coding strand, the reverse complement: POLE is on the minus strand); deleting any 16 consecutive bases within chr12:132,677,411-132,677,427 gives the same sequence; the c. name uses the placement nearest the transcript's 3' end. VCF-style (leftmost placement, unchanged base first): chr12-132677410-CATTTCCTCGGTATCTG-C. GRCh37 (hg19) VCF-style: chr12-133253996-CATTTCCTCGGTATCTG-C.
Other names: short protein forms R247fs.
Identifiers: ClinVar variation 2896363 (VCV002896363.3), dbSNP rs1064792920, ClinGen allele CA2575359683.